The following is an entry in ClinVar:

ClinVar aggregate classification (germline): Uncertain significance (1 of 4 stars; one submission).

Conditions:
Joubert syndrome 14 (JBTS14). Identifiers: MedGen C3280766, MONDO:0013745, OMIM 614424.

Submission:

Labcorp Genetics (formerly Invitae), Labcorp
Classification: Uncertain significance for Joubert syndrome 14. Last evaluated: 2021-12-21. Review status: criteria provided, single submitter. Criteria: Invitae Variant Classification Sherloc (09022015). Collection method: clinical testing. Allele origin: germline.
Comment: In summary, the available evidence is currently insufficient to determine the role of this variant in disease. Therefore, it has been classified as a Variant of Uncertain Significance. Algorithms developed to predict the effect of missense changes on protein structure and function (SIFT, PolyPhen-2, Align-GVGD) all suggest that this variant is likely to be disruptive. This variant has not been reported in the literature in individuals affected with TMEM237-related conditions. This variant is present in population databases (no rsID available, gnomAD 0.0009%). This sequence change replaces arginine, which is basic and polar, with isoleucine, which is neutral and non-polar, at codon 186 of the TMEM237 protein (p.Arg186Ile).

NM_001044385.3(TMEM237):c.557G>T (p.Arg186Ile)

Gene: TMEM237 (transmembrane protein 237; minus strand). Cytogenetic location: 2q33.1.
Variant type: single nucleotide variant.
Coding change: c.557G>T on transcript NM_001044385.3 (MANE Select); coding-DNA position 557, G replaced by T.
Protein change: p.Arg186Ile; replaces arginine 186 with isoleucine.
Molecular consequence: missense variant.
Genome position (GRCh38, 1-based): chr2:201,629,849, C>A on the plus strand (G>T on the coding strand, the complement: TMEM237 is on the minus strand). VCF-style: chr2-201629849-C-A. GRCh37 (hg19) VCF-style: chr2-202494572-C-A.
Other names: c.533G>T, p.Arg178Ile (NM_152388.4); short protein forms R178I, R186I.
Identifiers: ClinVar variation 2051261 (VCV002051261.4), dbSNP rs1427517308, ClinGen allele CA350310985.